The following is an entry in ClinVar:

ClinVar aggregate classification (germline): Uncertain significance (1 of 4 stars; one submission).

Conditions:
Cobalamin C disease. Also called: Methylmalonic aciduria and homocystinuria, Vitamin B12-responsive; Vitamin B12 metabolic defect with combined deficiency of methylmalonyl-CoA mutase and homocysteine:methyltetrahydrofolate methyltransferase; methylmalonic aciduria and homocystinuria type cblC; Methylmalonic aciduria with homocystinuria cblC type; Cobalamin-C methylmalonic acidemia and homocystinuria; Methylmalonic acidemia and homocystinuria cblC type. Identifiers: Orphanet 26, Orphanet 79282, MedGen C1848561, MONDO:0010184, OMIM 277400.

Submission:

Labcorp Genetics (formerly Invitae), Labcorp
Classification: Uncertain significance for Cobalamin C disease. Last evaluated: 2024-04-11. Review status: criteria provided, single submitter. Criteria: Invitae Variant Classification Sherloc (09022015). Collection method: clinical testing. Allele origin: germline.
Comment: This sequence change disrupts the translational stop signal of the MMACHC mRNA. It is expected to extend the length of the MMACHC protein by 14 additional amino acid residues. This variant is not present in population databases (gnomAD no frequency). This variant has not been reported in the literature in individuals affected with MMACHC-related conditions. ClinVar contains an entry for this variant (Variation ID: 2025876). Experimental studies and prediction algorithms are not available or were not evaluated, and the functional significance of this variant is currently unknown. In summary, the available evidence is currently insufficient to determine the role of this variant in disease. Therefore, it has been classified as a Variant of Uncertain Significance.

NM_015506.3(MMACHC):c.847T>C (p.Ter283Arg)

Gene: MMACHC (metabolism of cobalamin associated C; plus strand). Cytogenetic location: 1p34.1.
Variant type: single nucleotide variant.
Coding change: c.847T>C on transcript NM_015506.3 (MANE Select); coding-DNA position 847, T replaced by C.
Protein change: p.Ter283Arg.
Molecular consequence: stop lost.
Genome position (GRCh38, 1-based): chr1:45,509,213, T>C. VCF-style: chr1-45509213-T-C. GRCh37 (hg19) VCF-style: chr1-45974885-T-C.
Other names: c.676T>C, p.Ter226Arg (NM_001330540.2).
Identifiers: ClinVar variation 2025876 (VCV002025876.4), dbSNP rs768524449, ClinGen allele CA340134628.
Genomic context (GRCh38, chr1:45,509,213, plus strand): 5'-CCCAGCAGAGCCCGGAGCTGGCTCAGCCCCAGGGTCTCACCACCTGCATCCCCTGGCCCT[T>C]GATTTTCTCCCATGTGGACCCTGATTTATGGTGGTACTTGCTAGGACTTAATTGGCTTTG-3'